The following is an entry in ClinVar:

ClinVar aggregate classification (germline): Pathogenic (1 of 4 stars; one submission).

Conditions:
Developmental and epileptic encephalopathy 94 (DEE94). Also called: CHD2-Related Neurodevelopmental Disorders; Epileptic encephalopathy, childhood-onset. Identifiers: Orphanet 1942, Orphanet 2382, MedGen C3809278, MONDO:0014150, OMIM 615369.

Submission:

Labcorp Genetics (formerly Invitae), Labcorp
Classification: Pathogenic for Developmental and epileptic encephalopathy 94. Last evaluated: 2023-11-02. Review status: criteria provided, single submitter. Criteria: Invitae Variant Classification Sherloc (09022015). Collection method: clinical testing. Allele origin: germline.
Comment: This sequence change creates a premature translational stop signal (p.Arg1588Profs*219) in the CHD2 gene. While this is not anticipated to result in nonsense mediated decay, it is expected to disrupt the last 241 amino acid(s) of the CHD2 protein. This variant is not present in population databases (gnomAD no frequency). This variant has not been reported in the literature in individuals affected with CHD2-related conditions. This variant disrupts a region of the CHD2 protein in which other variant(s) (p.Gly1676Glu) have been determined to be pathogenic (Invitae). This suggests that this is a clinically significant region of the protein, and that variants that disrupt it are likely to be disease-causing. For these reasons, this variant has been classified as Pathogenic.

NM_001271.4(CHD2):c.4761_4782del (p.Arg1588fs)

Gene: CHD2 (chromodomain helicase DNA binding protein 2; plus strand). Cytogenetic location: 15q26.1.
Variant type: Deletion.
Coding change: c.4761_4782del on transcript NM_001271.4 (MANE Select); coding-DNA positions 4761 to 4782, 22 bases deleted (CCGGGACTCTCTGATATCTCAG).
Protein change: p.Arg1588fs; shifts the reading frame from arginine 1588.
Molecular consequence: frameshift variant.
Genome position (GRCh38, 1-based): chr15:93,014,764-93,014,785, CCGGGACTCTCTGATATCTCAG deleted; deleting any 22 consecutive bases within chr15:93,014,761-93,014,785 gives the same sequence; the c. name uses the placement nearest the transcript's 3' end. VCF-style (leftmost placement, unchanged base first): chr15-93014760-CCAGCCGGGACTCTCTGATATCT-C. GRCh37 (hg19) VCF-style: chr15-93557990-CCAGCCGGGACTCTCTGATATCT-C.
Other names: short protein forms R1588fs.
Identifiers: ClinVar variation 2692711 (VCV002692711.3), dbSNP rs2505629761, ClinGen allele CA2697549417.